The following is an entry in ClinVar:

ClinVar aggregate classification (germline): Pathogenic. Review status: criteria provided, multiple submitters, no conflicts (2 of 4 stars). 2 submissions from 2 submitters: Pathogenic (2). Last evaluated 2024-10-21.

Conditions:
Hereditary spastic paraplegia 15 (SPG15). Also called: SPASTIC PARAPLEGIA 15, AUTOSOMAL RECESSIVE; KJELLIN SYNDROME; SPASTIC PARAPLEGIA AND RETINAL DEGENERATION. Identifiers: Orphanet 100996, MedGen C1849128, MONDO:0010044, OMIM 270700.
Spastic paraplegia. Identifiers: MedGen C0037772, HP:0001258.

Submissions (2):

Myriad Genetics, Inc.
Classification: Pathogenic for Hereditary spastic paraplegia 15. Last evaluated: 2024-10-21. Review status: criteria provided, single submitter. Criteria: Myriad Autosomal Dominant, Autosomal Recessive and X-Linked Classification Criteria (2023). Collection method: clinical testing. Allele origin: unknown.
Comment: NM_015346.3(ZFYVE26):c.1491_1492delCT(Y498Pfs*32) is expected to be pathogenic in the context of spastic paraplegia type 15. This variant is predicted to lead to an abnormal or absent protein product due to the creation of a premature termination codon in ZFYVE26, a gene where loss-of-function variants are known to be pathogenic. Please note: this variant was assessed in the context of healthy population screening.

Labcorp Genetics (formerly Invitae), Labcorp
Classification: Pathogenic for Spastic paraplegia. Last evaluated: 2022-10-21. Review status: criteria provided, single submitter. Criteria: Invitae Variant Classification Sherloc (09022015). Collection method: clinical testing. Allele origin: germline.
Comment: For these reasons, this variant has been classified as Pathogenic. This variant has not been reported in the literature in individuals affected with ZFYVE26-related conditions. This variant is not present in population databases (gnomAD no frequency). This sequence change creates a premature translational stop signal (p.Tyr498Profs*32) in the ZFYVE26 gene. It is expected to result in an absent or disrupted protein product. Loss-of-function variants in ZFYVE26 are known to be pathogenic (PMID: 18394578, 19805727).

Literature cited by the submitters: PubMed 18394578 (cited by Labcorp Genetics (formerly Invitae), Labcorp); PubMed 19805727 (cited by Labcorp Genetics (formerly Invitae), Labcorp).

NM_015346.4(ZFYVE26):c.1491_1492del (p.Tyr498fs)

Gene: ZFYVE26 (zinc finger FYVE-type containing 26; minus strand). Cytogenetic location: 14q24.1.
Variant type: Microsatellite.
Coding change: c.1491_1492del on transcript NM_015346.4 (MANE Select); coding-DNA positions 1491 to 1492, 2 bases deleted (CT; older notation c.1491_1492delCT).
Protein change: p.Tyr498fs; shifts the reading frame from tyrosine 498.
Molecular consequence: frameshift variant.
Genome position (GRCh38, 1-based): chr14:67,802,226-67,802,227, AG deleted on the plus strand (CT on the coding strand, the reverse complement: ZFYVE26 is on the minus strand); deleting any 2 consecutive bases within chr14:67,802,226-67,802,229 gives the same sequence; the c. name uses the placement nearest the transcript's 3' end. VCF-style (leftmost placement, unchanged base first): chr14-67802225-TAG-T. GRCh37 (hg19) VCF-style: chr14-68268942-TAG-T.
Other names: short protein forms Y498fs.
Identifiers: ClinVar variation 2414551 (VCV002414551.7), dbSNP rs2040091615, ClinGen allele CA2580613714.